The following is an entry in ClinVar:

ClinVar aggregate classification (germline): Uncertain significance (0 of 4 stars; one submission).

Conditions:
TRIP13-related disorder. Also called: TRIP13-related condition.

Submission:

PreventionGenetics, part of Exact Sciences
Classification: Uncertain significance for TRIP13-related condition. Last evaluated: 2024-06-05. Review status: no assertion criteria provided. Collection method: clinical testing. Allele origin: germline.
Comment: The TRIP13 c.388G>A variant is predicted to result in the amino acid substitution p.Ala130Thr. To our knowledge, this variant has not been reported in the literature or in a large population database, indicating this variant is rare. At this time, the clinical significance of this variant is uncertain due to the absence of conclusive functional and genetic evidence.

NM_004237.4(TRIP13):c.388G>A (p.Ala130Thr)

Gene: TRIP13 (thyroid hormone receptor interactor 13; plus strand). Cytogenetic location: 5p15.33.
Variant type: single nucleotide variant.
Coding change: c.388G>A on transcript NM_004237.4 (MANE Select); coding-DNA position 388, G replaced by A.
Protein change: p.Ala130Thr; replaces alanine 130 with threonine.
Molecular consequence: missense variant.
Genome position (GRCh38, 1-based): chr5:896,794, G>A. VCF-style: chr5-896794-G-A. GRCh37 (hg19) VCF-style: chr5-896909-G-A.
Other names: c.388G>A, p.Ala130Thr (NM_001166260.2); short protein forms A130T.
Identifiers: ClinVar variation 3356883 (VCV003356883.1).